The following is an entry in ClinVar:

ClinVar aggregate classification (germline): Uncertain significance (1 of 4 stars; one submission).

Conditions:
Inborn genetic diseases. Identifiers: MedGen C0950123, MeSH D030342.

Allele frequency attached by ClinVar (database versions not stated): gnomAD exomes below 0.00001.

Submission:

Ambry Genetics
Classification: Uncertain significance for Inborn genetic diseases. Last evaluated: 2019-08-26. Review status: criteria provided, single submitter. Criteria: Ambry Variant Classification Scheme 2023. Collection method: clinical testing. Allele origin: germline.
Comment: The p.K72R variant (also known as c.215A>G), located in coding exon 1 of the TBR1 gene, results from an A to G substitution at nucleotide position 215. The lysine at codon 72 is replaced by arginine, an amino acid with highly similar properties. This amino acid position is highly conserved in available vertebrate species. In addition, the in silico prediction for this alteration is inconclusive. Since supporting evidence is limited at this time, the clinical significance of this alteration remains unclear.

NM_006593.4(TBR1):c.215A>G (p.Lys72Arg)

Gene: TBR1 (T-box brain transcription factor 1; plus strand). Cytogenetic location: 2q24.2.
Variant type: single nucleotide variant.
Coding change: c.215A>G on transcript NM_006593.4 (MANE Select); coding-DNA position 215, A replaced by G.
Protein change: p.Lys72Arg; replaces lysine 72 with arginine.
Molecular consequence: missense variant.
Genome position (GRCh38, 1-based): chr2:161,416,625, A>G. VCF-style: chr2-161416625-A-G. GRCh37 (hg19) VCF-style: chr2-162273136-A-G.
Other names: short protein forms K72R.
Identifiers: ClinVar variation 1786859 (VCV001786859.2), dbSNP rs2468090284, ClinGen allele CA349210911.
Genomic context (GRCh38, chr2:161,416,625, plus strand): 5'-TGAAAAAAATTACCAGGGGGATGACGAATCAGTCAGATACAGACAATTTTCCTGACTCCA[A>G]GGACTCACCAGGGGACGTCCAGAGAAGTAAACTCTCTCCTGTCTTGGACGGGGTCTCTGA-3'
Protein context (NP_006584.1, residues 62-82): QSDTDNFPDS[Lys72Arg]DSPGDVQRSK